The following is an entry in ClinVar:

NM_000548.5(TSC2):c.1387A>G (p.Ile463Val)

Gene: TSC2 (TSC complex subunit 2; plus strand). Cytogenetic location: 16p13.3.
Variant type: single nucleotide variant.
Coding change: c.1387A>G on transcript NM_000548.5 (MANE Select); coding-DNA position 1387, A replaced by G.
Protein change: p.Ile463Val; replaces isoleucine 463 with valine.
Molecular consequence: missense variant.
Genome position (GRCh38, 1-based): chr16:2,062,997, A>G. VCF-style: chr16-2062997-A-G. GRCh37 (hg19) VCF-style: chr16-2112998-A-G.
Other names: p.I463V:ATC>GTC; c.1387A>G, p.Ile463Val (NM_001077183.3, NM_001114382.3, NM_001363528.2 and 3 more transcripts); c.1276A>G, p.Ile426Val (NM_001318827.2); c.1240A>G, p.Ile414Val (NM_001318829.2); c.787A>G, p.Ile263Val (NM_001318831.2); c.1420A>G, p.Ile474Val (NM_001318832.2); short protein forms I463V, I414V, I474V, I263V, I426V.
Identifiers: ClinVar variation 49674 (VCV000049674.75), dbSNP rs45517171, ClinGen allele CA014712.

ClinVar aggregate classification (germline): Benign/Likely benign. Review status: criteria provided, multiple submitters, no conflicts (2 of 4 stars). 18 submissions from 18 submitters: Benign (8); Likely benign (6). 4 of the submissions do not count toward it. Last evaluated 2026-06-01.

Conditions:
Hereditary cancer-predisposing syndrome. Also called: Hereditary Cancer Syndrome; Tumor predisposition; Neoplastic Syndromes, Hereditary; Hereditary neoplastic syndrome. Identifiers: Orphanet 140162, MedGen C0027672, MeSH D009386, MONDO:0015356.
Tuberous sclerosis syndrome (TSC). Also called: Tuberous Sclerosis Complex; Tuberous sclerosis. Identifiers: Orphanet 805, MedGen C0041341, MONDO:0001734.
Tuberous sclerosis 2 (TSC2). Identifiers: Orphanet 805, MedGen C1860707, MONDO:0013199, OMIM 613254.

Allele frequency attached by ClinVar (database versions not stated): ExAC 0.00034; 1000 Genomes Project 30x 0.00047; gnomAD exomes 0.00050 and 0.00106; 1000 Genomes Project 0.00060; gnomAD 0.00066 and 0.00067; TOPMed 0.00090; ESP Exome Variant Server 0.00113.
gnomAD v4.1: 1,593 of 1,551,272 alleles (0.1%); highest among the groups gnomAD compares: Non-Finnish European, 0.13%; no homozygotes.

Submissions (18):

CeGaT Center for Human Genetics Tuebingen
Classification: Likely benign. Last evaluated: 2026-06-01. Review status: criteria provided, single submitter. Criteria: CeGaT Center For Human Genetics Tuebingen Variant Classification Criteria Version 2. Collection method: clinical testing. Allele origin: germline. Affected: yes. Observed: 12 variant alleles.
Comment: TSC2: BS1

Labcorp Genetics (formerly Invitae), Labcorp
Classification: Benign for Tuberous sclerosis 2. Last evaluated: 2026-02-03. Review status: criteria provided, single submitter. Criteria: Invitae Variant Classification Sherloc (09022015). Collection method: clinical testing. Allele origin: germline.

Myriad Genetics, Inc.
Classification: Benign for Tuberous sclerosis 2. Last evaluated: 2025-05-14. Review status: criteria provided, single submitter. Criteria: Myriad Autosomal Dominant, Autosomal Recessive and X-Linked Classification Criteria (2023). Collection method: clinical testing. Allele origin: unknown.
Comment: This variant is considered benign. This variant has been observed at a population frequency that is significantly greater than expected given the associated disease prevalence and penetrance. Homozygosity has been confirmed in one or more individuals. As homozygosity for pathogenic variants in this gene is generally assumed to result in embryonic lethality, this variant is unlikely to be pathogenic.

Blueprint Genetics
Classification: Likely benign. Last evaluated: 2024-11-20. Review status: criteria provided, single submitter. Criteria: ACMG Guidelines, 2015. Collection method: clinical testing. Allele origin: germline.

Mayo Clinic Laboratories, Mayo Clinic
Classification: Likely benign. Last evaluated: 2024-10-18. Review status: criteria provided, single submitter. Criteria: ACMG Guidelines, 2015. Collection method: clinical testing. Allele origin: germline. Observed: 4 variant alleles.
Comment: BS1, BP5

Color Diagnostics, LLC DBA Color Health
Classification: Benign for Tuberous sclerosis syndrome. Last evaluated: 2022-08-31. Review status: criteria provided, single submitter. Criteria: ACMG Guidelines, 2015. Collection method: clinical testing. Allele origin: germline.

Genome-Nilou Lab
Classification: Benign for Tuberous sclerosis 2. Last evaluated: 2021-11-07. Review status: criteria provided, single submitter. Criteria: ACMG Guidelines, 2015. Collection method: clinical testing. Allele origin: germline. Affected: no.

Sema4
Classification: Benign for Hereditary cancer-predisposing syndrome. Last evaluated: 2020-11-01. Review status: criteria provided, single submitter. Criteria: Sema4 Curation Guidelines. Collection method: curation. Allele origin: germline.

GeneDx
Classification: Benign. Last evaluated: 2019-07-02. Review status: criteria provided, single submitter. Criteria: GeneDx Variant Classification Process June 2021. Collection method: clinical testing. Allele origin: germline. Affected: yes.
Comment: This variant is associated with the following publications: (PMID: 23514105, 10205261, 24728327)

Illumina Laboratory Services, Illumina
Classification: Likely benign for Tuberous sclerosis syndrome. Last evaluated: 2018-03-12. Review status: criteria provided, single submitter. Criteria: ICSL Variant Classification Criteria 13 December 2019. Collection method: clinical testing. Allele origin: germline.
Comment: This variant was observed as part of a predisposition screen in an ostensibly healthy population. A literature search was performed for the gene, cDNA change, and amino acid change (where applicable). Publications were found based on this search. The evidence from the literature, in combination with allele frequency data from public databases where available, was sufficient to determine this variant is unlikely to cause disease. Therefore, this variant is classified as likely benign.

Athena Diagnostics
Classification: Benign. Last evaluated: 2017-12-27. Review status: criteria provided, single submitter. Criteria: Athena Diagnostics Criteria. Collection method: clinical testing. Allele origin: germline.

Ambry Genetics
Classification: Benign for Hereditary cancer-predisposing syndrome. Last evaluated: 2015-09-24. Review status: criteria provided, single submitter. Criteria: Ambry Variant Classification Scheme 2023. Collection method: clinical testing. Allele origin: germline.

Eurofins Ntd Llc (ga)
Classification: Likely benign. Last evaluated: 2014-11-14. Review status: criteria provided, single submitter. Criteria: EGL Classification Definitions 2015. Collection method: clinical testing. Allele origin: germline. Observed: 1 variant allele, 1 heterozygote.

PreventionGenetics, part of Exact Sciences
Classification: Likely benign. Review status: criteria provided, single submitter. Criteria: ACMG Guidelines, 2015. Collection method: clinical testing. Allele origin: germline.

ITMI
No classification provided. Condition: AllHighlyPenetrant. Last evaluated: 2013-09-19. Review status: no classification provided. Collection method: reference population. Allele origin: germline. Not counted in ClinVar's aggregate classification.
Comment: Please see associated publication for description of ethnicities

Clinical Genetics, Academic Medical Center
Classification: Likely benign. Review status: no assertion criteria provided. Collection method: clinical testing. Allele origin: germline. Affected: yes. Study: VKGL Data-share Consensus. Not counted in ClinVar's aggregate classification.

Genome Diagnostics Laboratory, Amsterdam University Medical Center
Classification: Likely benign. Review status: no assertion criteria provided. Collection method: clinical testing. Allele origin: germline. Affected: yes. Study: VKGL Data-share Consensus. Not counted in ClinVar's aggregate classification.

Tuberous sclerosis database (TSC2)
No classification provided. Condition: TSC. Review status: no classification provided. Criteria: Tuberous Sclerosis Database Assertion Criteria 2015. Collection method: curation. Allele origin: germline. Affected: yes. Not counted in ClinVar's aggregate classification.

Literature cited by the submitters: PubMed 10205261 (cited by 3 submitters); PubMed 23514105 (cited by Athena Diagnostics); PubMed 24728327 (cited by Ambry Genetics and ITMI).